The following is an entry in ClinVar:

ClinVar aggregate classification (germline): Uncertain significance (1 of 4 stars; one submission).

Conditions:
Dyskeratosis congenita, autosomal dominant 2. Identifiers: MedGen C3151443, MONDO:0013521, OMIM 613989.
Idiopathic Pulmonary Fibrosis. Also called: Idiopathic fibrosing alveolitis, chronic form; idiopathic fibrosing alveolitis. Identifiers: Orphanet 2032, MedGen C1800706, MeSH D054990, MONDO:0800504.

Submission:

Labcorp Genetics (formerly Invitae), Labcorp
Classification: Uncertain significance for Dyskeratosis congenita, autosomal dominant 2; Idiopathic Pulmonary Fibrosis. Last evaluated: 2021-04-13. Review status: criteria provided, single submitter. Criteria: Invitae Variant Classification Sherloc (09022015). Collection method: clinical testing. Allele origin: germline.
Comment: This variant is not present in population databases (ExAC no frequency). This variant has not been reported in the literature in individuals with TERT-related conditions. Advanced modeling of protein sequence and biophysical properties (such as structural, functional, and spatial information, amino acid conservation, physicochemical variation, residue mobility, and thermodynamic stability) performed at Invitae indicates that this missense variant is not expected to disrupt TERT protein function. In summary, the available evidence is currently insufficient to determine the role of this variant in disease. Therefore, it has been classified as a Variant of Uncertain Significance. This sequence change replaces lysine with glutamine at codon 338 of the TERT protein (p.Lys338Gln). The lysine residue is weakly conserved and there is a small physicochemical difference between lysine and glutamine.

NM_198253.3(TERT):c.1012A>C (p.Lys338Gln)

Gene: TERT (telomerase reverse transcriptase; minus strand). Cytogenetic location: 5p15.33.
Variant type: single nucleotide variant.
Coding change: c.1012A>C on transcript NM_198253.3 (MANE Select); coding-DNA position 1012, A replaced by C.
Protein change: p.Lys338Gln; replaces lysine 338 with glutamine.
Molecular consequence: missense variant. On other transcripts: non-coding transcript variant (2).
Genome position (GRCh38, 1-based): chr5:1,293,874, T>G on the plus strand (A>C on the coding strand, the complement: TERT is on the minus strand). VCF-style: chr5-1293874-T-G. GRCh37 (hg19) VCF-style: chr5-1293989-T-G.
Other names: c.1012A>C, p.Lys338Gln (NM_001193376.3); short protein forms K338Q.
Identifiers: ClinVar variation 1345067 (VCV001345067.8), dbSNP rs1032442071, ClinGen allele CA112914776.